The following is an entry in ClinVar:

ClinVar aggregate classification (germline): Uncertain significance (1 of 4 stars; one submission).

Submission:

GeneDx
Classification: Uncertain significance. Last evaluated: 2025-01-29. Review status: criteria provided, single submitter. Criteria: GeneDx Variant Classification Process June 2021. Collection method: clinical testing. Allele origin: germline. Affected: yes.
Comment: Not observed at significant frequency in large population cohorts (gnomAD); In silico analysis supports that this missense variant has a deleterious effect on protein structure/function; Has not been previously published as pathogenic or benign to our knowledge

NM_001197104.2(KMT2A):c.5634A>T (p.Leu1878Phe)

Gene: KMT2A (lysine methyltransferase 2A; plus strand). Cytogenetic location: 11q23.3.
Variant type: single nucleotide variant.
Coding change: c.5634A>T on transcript NM_001197104.2 (MANE Select); coding-DNA position 5634, A replaced by T.
Protein change: p.Leu1878Phe; replaces leucine 1878 with phenylalanine.
Molecular consequence: missense variant.
Genome position (GRCh38, 1-based): chr11:118,496,337, A>T. VCF-style: chr11-118496337-A-T. GRCh37 (hg19) VCF-style: chr11-118367052-A-T.
Other names: c.5724A>T, p.Leu1908Phe (NM_001412597.1); c.5625A>T, p.Leu1875Phe (NM_005933.4); short protein forms L1875F, L1878F, L1908F.
Identifiers: ClinVar variation 4072459 (VCV004072459.1).
Genomic context (GRCh38, chr11:118,496,337, plus strand): 5'-AGAAGACAGTCCAGAGCTGAACCCACCCCCAGGCATAGAAGACAATAGACAGTGTGCGTT[A>T]TGTTTGACTTATGGTGATGACAGTGCTAATGTAAGTACTTTGCAACACAGGGCCCTAGTT-3'
Protein context (NP_001184033.1, residues 1868-1888): PGIEDNRQCA[Leu1878Phe]CLTYGDDSAN